The following is an entry in ClinVar:

ClinVar aggregate classification (germline): Uncertain significance. Review status: criteria provided, multiple submitters, no conflicts (2 of 4 stars). 3 submissions from 3 submitters: Uncertain significance (2). 1 of the submissions does not count toward it. Last evaluated 2022-08-20.

Conditions:
Primary ciliary dyskinesia. Also called: Ciliary dyskinesia. Identifiers: Orphanet 244, MedGen C0008780, MONDO:0016575, HP:0012265.

Allele frequency attached by ClinVar (database versions not stated): gnomAD 0.00001; gnomAD exomes 0.00001; TOPMed 0.00001.
gnomAD v4.1: 17 of 1,613,806 alleles (0.0011%); highest among the groups gnomAD compares: East Asian, 0.0067%; no homozygotes.

Submissions (3):

Labcorp Genetics (formerly Invitae), Labcorp
Classification: Uncertain significance for Primary ciliary dyskinesia. Last evaluated: 2022-08-20. Review status: criteria provided, single submitter. Criteria: Invitae Variant Classification Sherloc (09022015). Collection method: clinical testing. Allele origin: germline.
Comment: This sequence change replaces arginine, which is basic and polar, with tryptophan, which is neutral and slightly polar, at codon 3077 of the DNAH5 protein (p.Arg3077Trp). This variant is present in population databases (no rsID available, gnomAD 0.002%). This variant has not been reported in the literature in individuals affected with DNAH5-related conditions. ClinVar contains an entry for this variant (Variation ID: 450551). Advanced modeling of protein sequence and biophysical properties (such as structural, functional, and spatial information, amino acid conservation, physicochemical variation, residue mobility, and thermodynamic stability) performed at Invitae indicates that this missense variant is expected to disrupt DNAH5 protein function. In summary, the available evidence is currently insufficient to determine the role of this variant in disease. Therefore, it has been classified as a Variant of Uncertain Significance.

GeneDx
Classification: Uncertain significance. Last evaluated: 2019-12-11. Review status: criteria provided, single submitter. Criteria: GeneDx Variant Classification Process June 2021. Collection method: clinical testing. Allele origin: germline. Affected: yes.
Comment: Not observed at a significant frequency in large population cohorts (Lek et al., 2016); In silico analysis, which includes protein predictors and evolutionary conservation, supports a deleterious effect; Has not been previously published as pathogenic or benign to our knowledge

Natera, Inc.
Classification: Uncertain significance for Primary ciliary dyskinesia. Last evaluated: 2021-01-19. Review status: no assertion criteria provided. Collection method: clinical testing. Allele origin: germline. Not counted in ClinVar's aggregate classification.

NM_001369.3(DNAH5):c.9229C>T (p.Arg3077Trp)

Gene: DNAH5 (dynein axonemal heavy chain 5; minus strand). Cytogenetic location: 5p15.2.
Variant type: single nucleotide variant.
Coding change: c.9229C>T on transcript NM_001369.3 (MANE Select); coding-DNA position 9229, C replaced by T.
Protein change: p.Arg3077Trp; replaces arginine 3077 with tryptophan.
Molecular consequence: missense variant.
Genome position (GRCh38, 1-based): chr5:13,776,583, G>A on the plus strand (C>T on the coding strand, the complement: DNAH5 is on the minus strand). VCF-style: chr5-13776583-G-A. GRCh37 (hg19) VCF-style: chr5-13776692-G-A.
Other names: short protein forms R3077W.
Identifiers: ClinVar variation 450551 (VCV000450551.6), dbSNP rs1426289211, ClinGen allele CA359208969.